The following is an entry in ClinVar:

ClinVar aggregate classification (germline): Uncertain significance. Review status: criteria provided, multiple submitters, no conflicts (2 of 4 stars). 3 submissions from 3 submitters: Uncertain significance (3). Last evaluated 2025-08-22.

Conditions:
COL18A1-related disorder. Also called: COL18A1-related disorders; COL18A1-related condition.
Inborn genetic diseases. Identifiers: MedGen C0950123, MeSH D030342.

Allele frequency attached by ClinVar (database versions not stated): ExAC 0.00002; gnomAD 0.00004; TOPMed 0.00004.
gnomAD v4.1: 52 of 1,610,272 alleles (0.0032%); highest among the groups gnomAD compares: Middle Eastern, 0.033%; no homozygotes.

Submissions (3):

PreventionGenetics, part of Exact Sciences
Classification: Uncertain significance for COL18A1-related condition. Last evaluated: 2025-08-22. Review status: criteria provided, single submitter. Criteria: ACMG Guidelines, 2015. Collection method: clinical testing. Allele origin: germline.
Comment: The COL18A1 c.2933G>A variant is predicted to result in the amino acid substitution p.Arg978Gln. To our knowledge, this variant has not been reported in the literature. This variant is reported in 0.0086% of alleles in individuals of African descent in gnomAD. At this time, the clinical significance of this variant is uncertain due to the absence of conclusive functional and genetic evidence.

Labcorp Genetics (formerly Invitae), Labcorp
Classification: Uncertain significance. Last evaluated: 2022-10-17. Review status: criteria provided, single submitter. Criteria: Invitae Variant Classification Sherloc (09022015). Collection method: clinical testing. Allele origin: germline.
Comment: This sequence change replaces arginine, which is basic and polar, with glutamine, which is neutral and polar, at codon 798 of the COL18A1 protein (p.Arg798Gln). The frequency data for this variant in the population databases is considered unreliable, as metrics indicate poor data quality at this position in the gnomAD database. This variant has not been reported in the literature in individuals affected with COL18A1-related conditions. Experimental studies and prediction algorithms are not available or were not evaluated, and the functional significance of this variant is currently unknown. In summary, the available evidence is currently insufficient to determine the role of this variant in disease. Therefore, it has been classified as a Variant of Uncertain Significance.

Ambry Genetics
Classification: Uncertain significance for Inborn genetic diseases. Last evaluated: 2021-08-13. Review status: criteria provided, single submitter. Criteria: Ambry Variant Classification Scheme 2023. Collection method: clinical testing. Allele origin: germline.

NM_001379500.1(COL18A1):c.2393G>A (p.Arg798Gln)

Gene: COL18A1 (collagen type XVIII alpha 1 chain; plus strand). Cytogenetic location: 21q22.3.
Variant type: single nucleotide variant.
Coding change: c.2393G>A on transcript NM_001379500.1 (MANE Select); coding-DNA position 2393, G replaced by A.
Protein change: p.Arg798Gln; replaces arginine 798 with glutamine.
Molecular consequence: missense variant.
Genome position (GRCh38, 1-based): chr21:45,494,875, G>A. VCF-style: chr21-45494875-G-A. GRCh37 (hg19) VCF-style: chr21-46914789-G-A.
Other names: NM_130445.2:c.2393G>A; c.2933G>A (NM_030582.3); c.2933G>A, p.Arg978Gln (NM_030582.4); c.3638G>A, p.Arg1213Gln (NM_130444.3); short protein forms R1213Q, R978Q, R798Q.
Identifiers: ClinVar variation 1913606 (VCV001913606.4), dbSNP rs775582272, ClinGen allele CA10067068.